The following is an entry in ClinVar:

NM_001943.5(DSG2):c.3018G>C (p.Gln1006His)

Genes: DSG2 (desmoglein 2; plus strand), DSG2-AS1 (DSG2 antisense RNA 1; minus strand). Cytogenetic location: 18q12.1.
Variant type: single nucleotide variant.
Coding change: c.3018G>C on transcript NM_001943.5 (MANE Select); coding-DNA position 3018, G replaced by C.
Protein change: p.Gln1006His; replaces glutamine 1006 with histidine.
Molecular consequence: missense variant.
Genome position (GRCh38, 1-based): chr18:31,546,404, G>C. VCF-style: chr18-31546404-G-C. GRCh37 (hg19) VCF-style: chr18-29126367-G-C.
Other names: short protein forms Q1006H.
Identifiers: ClinVar variation 2845513 (VCV002845513.3), dbSNP rs1416600115, ClinGen allele CA402147806.
Genomic context (GRCh38, chr18:31,546,404, plus strand): 5'-GGTCACTGAAAGAGTAATACAGCCTCATGGGGGTGGATCGAATCCTCTGGAAGGCACTCA[G>C]CATCTTCAAGATGTACCTTACGTCATGGTGAGGGAAAGAGAGAGCTTCCTTGCCCCCAGC-3'
Protein context (NP_001934.2, residues 996-1016): GGGSNPLEGT[Gln1006His]HLQDVPYVMV

ClinVar aggregate classification (germline): Uncertain significance (1 of 4 stars; one submission).

Conditions:
Arrhythmogenic right ventricular dysplasia 10. Also called: Arrhythmogenic Right Ventricular Dysplasia/Cardiomyopathy10; Arrhythmogenic right ventricular dysplasia/cardiomyopathy, type 10; ARRHYTHMOGENIC RIGHT VENTRICULAR DYSPLASIA, FAMILIAL, 10. Identifiers: MedGen C1857777, MONDO:0012434, OMIM 610193.

Submission:

Labcorp Genetics (formerly Invitae), Labcorp
Classification: Uncertain significance for Arrhythmogenic right ventricular dysplasia 10. Last evaluated: 2023-03-14. Review status: criteria provided, single submitter. Criteria: Invitae Variant Classification Sherloc (09022015). Collection method: clinical testing. Allele origin: germline.
Comment: This sequence change replaces glutamine, which is neutral and polar, with histidine, which is basic and polar, at codon 1006 of the DSG2 protein (p.Gln1006His). In summary, the available evidence is currently insufficient to determine the role of this variant in disease. Therefore, it has been classified as a Variant of Uncertain Significance. Advanced modeling of protein sequence and biophysical properties (such as structural, functional, and spatial information, amino acid conservation, physicochemical variation, residue mobility, and thermodynamic stability) performed at Invitae indicates that this missense variant is not expected to disrupt DSG2 protein function. This variant has not been reported in the literature in individuals affected with DSG2-related conditions. This variant is not present in population databases (gnomAD no frequency).